The following is an entry in ClinVar:

ClinVar aggregate classification (germline): Uncertain significance (1 of 4 stars; one submission).

Submission:

Labcorp Genetics (formerly Invitae), Labcorp
Classification: Uncertain significance. Last evaluated: 2025-03-17. Review status: criteria provided, single submitter. Criteria: Invitae Variant Classification Sherloc (09022015). Collection method: clinical testing. Allele origin: germline.
Comment: This sequence change creates a premature translational stop signal (p.Cys828*) in the NAA15 gene. While this is not anticipated to result in nonsense mediated decay, it is expected to disrupt the last 39 amino acid(s) of the NAA15 protein. This variant is not present in population databases (gnomAD no frequency). This variant has not been reported in the literature in individuals affected with NAA15-related conditions. Experimental studies and prediction algorithms are not available or were not evaluated, and the functional significance of this variant is currently unknown. In summary, the available evidence is currently insufficient to determine the role of this variant in disease. Therefore, it has been classified as a Variant of Uncertain Significance.

NM_057175.5(NAA15):c.2484T>A (p.Cys828Ter)

Gene: NAA15 (N-alpha-acetyltransferase 15, NatA auxiliary subunit; plus strand). Cytogenetic location: 4q31.1.
Variant type: single nucleotide variant.
Coding change: c.2484T>A on transcript NM_057175.5 (MANE Select); coding-DNA position 2484, T replaced by A.
Protein change: p.Cys828Ter; replaces cysteine 828 with a stop codon.
Molecular consequence: nonsense.
Genome position (GRCh38, 1-based): chr4:139,387,967, T>A. VCF-style: chr4-139387967-T-A. GRCh37 (hg19) VCF-style: chr4-140309121-T-A.
Other names: c.2481T>A, p.Cys827Ter (NM_001410842.1); short protein forms C827*, C828*.
Identifiers: ClinVar variation 3655964 (VCV003655964.2).